The following is an entry in ClinVar:

NM_024675.4(PALB2):c.3269T>G (p.Phe1090Cys)

Gene: PALB2 (partner and localizer of BRCA2; minus strand). Cytogenetic location: 16p12.2.
Variant type: single nucleotide variant.
Coding change: c.3269T>G on transcript NM_024675.4 (MANE Select); coding-DNA position 3269, T replaced by G.
Protein change: p.Phe1090Cys; replaces phenylalanine 1090 with cysteine.
Molecular consequence: missense variant.
Genome position (GRCh38, 1-based): chr16:23,607,945, A>C on the plus strand (T>G on the coding strand, the complement: PALB2 is on the minus strand). VCF-style: chr16-23607945-A-C. GRCh37 (hg19) VCF-style: chr16-23619266-A-C.
Other names: short protein forms F1090C.
Identifiers: ClinVar variation 823355 (VCV000823355.4), dbSNP rs1597066832, ClinGen allele CA395139674.
Genomic context (GRCh38, chr16:23,607,945, plus strand): 5'-AGACAGTACAGCATCACACCCACGCTGAGAGTCGTCTTAGGGTTAATCACAATGAGCTGA[A>C]ACACAGGGCTTCGCAACGACTCACTCTCTTTGGCACAGGGATGACTCAGGACAATAAAGA-3'
Protein context (NP_078951.2, residues 1080-1100): KESESLRSPV[Phe1090Cys]QLIVINPKTT

ClinVar aggregate classification (germline): Uncertain significance (1 of 4 stars; one submission).

Conditions:
Hereditary cancer-predisposing syndrome. Also called: Tumor predisposition; Hereditary Cancer Syndrome; Neoplastic Syndromes, Hereditary; Hereditary neoplastic syndrome. Identifiers: Orphanet 140162, MedGen C0027672, MeSH D009386, MONDO:0015356.

Submission:

Ambry Genetics
Classification: Uncertain significance for Hereditary cancer-predisposing syndrome. Last evaluated: 2018-06-28. Review status: criteria provided, single submitter. Criteria: Ambry Variant Classification Scheme 2023. Collection method: clinical testing. Allele origin: germline.
Comment: The p.F1090C variant (also known as c.3269T>G), located in coding exon 12 of the PALB2 gene, results from a T to G substitution at nucleotide position 3269. The phenylalanine at codon 1090 is replaced by cysteine, an amino acid with highly dissimilar properties. This amino acid position is highly conserved in available vertebrate species. In addition, the in silico prediction for this alteration is inconclusive. Since supporting evidence is limited at this time, the clinical significance of this alteration remains unclear.